The following is an entry in ClinVar:

ClinVar aggregate classification (germline): Uncertain significance (1 of 4 stars; one submission).

Allele frequency attached by ClinVar (database versions not stated): gnomAD 0.00001; TOPMed 0.00002.
gnomAD v4.1: 3 of 1,550,202 alleles (0.00019%); highest among the groups gnomAD compares: Admixed American, 0.0039%; no homozygotes.

Submission:

Labcorp Genetics (formerly Invitae), Labcorp
Classification: Uncertain significance. Last evaluated: 2022-06-11. Review status: criteria provided, single submitter. Criteria: Invitae Variant Classification Sherloc (09022015). Collection method: clinical testing. Allele origin: germline.
Comment: In summary, the available evidence is currently insufficient to determine the role of this variant in disease. Therefore, it has been classified as a Variant of Uncertain Significance. Algorithms developed to predict the effect of missense changes on protein structure and function are either unavailable or do not agree on the potential impact of this missense change (SIFT: "Deleterious"; PolyPhen-2: "Not Available"; Align-GVGD: "Class C0"). This variant has not been reported in the literature in individuals affected with PDZD7-related conditions. This variant is not present in population databases (gnomAD no frequency). This sequence change replaces leucine, which is neutral and non-polar, with methionine, which is neutral and non-polar, at codon 593 of the PDZD7 protein (p.Leu593Met).

NM_001195263.2(PDZD7):c.1777C>A (p.Leu593Met)

Gene: PDZD7 (PDZ domain containing 7; minus strand). Cytogenetic location: 10q24.31.
Variant type: single nucleotide variant.
Coding change: c.1777C>A on transcript NM_001195263.2 (MANE Select); coding-DNA position 1777, C replaced by A.
Protein change: p.Leu593Met; replaces leucine 593 with methionine.
Molecular consequence: missense variant.
Genome position (GRCh38, 1-based): chr10:101,012,231, G>T on the plus strand (C>A on the coding strand, the complement: PDZD7 is on the minus strand). VCF-style: chr10-101012231-G-T. GRCh37 (hg19) VCF-style: chr10-102771988-G-T.
Other names: short protein forms L593M.
Identifiers: ClinVar variation 2133080 (VCV002133080.4), dbSNP rs1852421614, ClinGen allele CA378226618.